The following is an entry in ClinVar:

ClinVar aggregate classification (germline): Uncertain significance (1 of 4 stars; one submission).

Conditions:
Progressive familial heart block type IB (PFHB1B). Identifiers: Orphanet 871, MedGen C1970298, MONDO:0011474, OMIM 604559.

gnomAD v4.1: 18 of 1,596,138 alleles (0.0011%); highest among the groups gnomAD compares: Non-Finnish European, 0.0015%; no homozygotes.

Submission:

Labcorp Genetics (formerly Invitae), Labcorp
Classification: Uncertain significance for Progressive familial heart block type IB. Last evaluated: 2025-07-14. Review status: criteria provided, single submitter. Criteria: Invitae Variant Classification Sherloc (09022015). Collection method: clinical testing. Allele origin: germline.
Comment: This sequence change replaces glutamine, which is neutral and polar, with arginine, which is basic and polar, at codon 531 of the TRPM4 protein (p.Gln531Arg). This variant is not present in population databases (gnomAD no frequency). This variant has not been reported in the literature in individuals affected with TRPM4-related conditions. An algorithm developed to predict the effect of missense changes on protein structure and function outputs the following: PolyPhen-2: "Benign". The arginine amino acid residue is found in multiple mammalian species, which suggests that this missense change does not adversely affect protein function. In summary, the available evidence is currently insufficient to determine the role of this variant in disease. Therefore, it has been classified as a Variant of Uncertain Significance.

NM_017636.4(TRPM4):c.1592A>G (p.Gln531Arg)

Gene: TRPM4 (transient receptor potential cation channel subfamily M member 4; plus strand). Cytogenetic location: 19q13.33.
Variant type: single nucleotide variant.
Coding change: c.1592A>G on transcript NM_017636.4 (MANE Select); coding-DNA position 1592, A replaced by G.
Protein change: p.Gln531Arg; replaces glutamine 531 with arginine.
Molecular consequence: missense variant. On other transcripts: intron variant (1).
Genome position (GRCh38, 1-based): chr19:49,182,906, A>G. VCF-style: chr19-49182906-A-G. GRCh37 (hg19) VCF-style: chr19-49686163-A-G.
Other names: c.1592A>G, p.Gln531Arg (NM_001195227.2); c.1247A>G, p.Gln416Arg (NM_001321281.2); c.1070A>G, p.Gln357Arg (NM_001321283.2); c.530A>G, p.Gln177Arg (NM_001321285.2); c.-1+39A>G (NM_001321282.2); short protein forms Q531R, Q177R, Q357R, Q416R.
Identifiers: ClinVar variation 4748769 (VCV004748769.1).
Genomic context (GRCh38, chr19:49,182,906, plus strand): 5'-TGGGGAAGATGTGCGCGCCGAGGTACCCCTCCGGGGGCGCCTGGGACCCTCACCCAGGCC[A>G]GGGCTTCGGGGAGAGCGTAAGGACCGGGCAAAGCTGGGGGGCCCCCCCGCGCGGGAAGGA-3'
Protein context (NP_060106.2, residues 521-541): SGGAWDPHPG[Gln531Arg]GFGESMYLLS